The following is an entry in ClinVar:

ClinVar aggregate classification (germline): Uncertain significance. Review status: criteria provided, multiple submitters, no conflicts (2 of 4 stars). 2 submissions from 2 submitters: Uncertain significance (2). Last evaluated 2025-07-10.

Allele frequency attached by ClinVar (database versions not stated): ExAC 0.00001; TOPMed 0.00001.
gnomAD v4.1: 3 of 1,614,092 alleles (0.00019%); highest among the groups gnomAD compares: East Asian, 0.0067%; no homozygotes.

Submissions (2):

GeneDx
Classification: Uncertain significance. Last evaluated: 2025-07-10. Review status: criteria provided, single submitter. Criteria: GeneDx Variant Classification Process June 2021. Collection method: clinical testing. Allele origin: germline. Affected: yes.
Comment: In silico analysis suggests that this missense variant does not alter protein structure/function; Has not been previously published as pathogenic or benign to our knowledge

Labcorp Genetics (formerly Invitae), Labcorp
Classification: Uncertain significance. Last evaluated: 2024-04-05. Review status: criteria provided, single submitter. Criteria: Invitae Variant Classification Sherloc (09022015). Collection method: clinical testing. Allele origin: germline.
Comment: This sequence change replaces histidine, which is basic and polar, with glutamine, which is neutral and polar, at codon 313 of the WFS1 protein (p.His313Gln). This variant is present in population databases (rs764627117, gnomAD 0.01%). This variant has not been reported in the literature in individuals affected with WFS1-related conditions. ClinVar contains an entry for this variant (Variation ID: 1704077). Advanced modeling of protein sequence and biophysical properties (such as structural, functional, and spatial information, amino acid conservation, physicochemical variation, residue mobility, and thermodynamic stability) performed at Invitae indicates that this missense variant is not expected to disrupt WFS1 protein function with a negative predictive value of 95%. This variant disrupts the p.His313 amino acid residue in WFS1. Other variant(s) that disrupt this residue have been determined to be pathogenic (PMID: 16151413, 28468959, 31391115). This suggests that this residue is clinically significant, and that variants that disrupt this residue are likely to be disease-causing. In summary, the available evidence is currently insufficient to determine the role of this variant in disease. Therefore, it has been classified as a Variant of Uncertain Significance.

Literature cited by the submitters: PubMed 16151413 (cited by Labcorp Genetics (formerly Invitae), Labcorp); PubMed 28468959 (cited by Labcorp Genetics (formerly Invitae), Labcorp); PubMed 31391115 (cited by Labcorp Genetics (formerly Invitae), Labcorp).

NM_006005.3(WFS1):c.939C>G (p.His313Gln)

Gene: WFS1 (wolframin ER transmembrane glycoprotein; plus strand). Cytogenetic location: 4p16.1.
Variant type: single nucleotide variant.
Coding change: c.939C>G on transcript NM_006005.3 (MANE Select); coding-DNA position 939, C replaced by G.
Protein change: p.His313Gln; replaces histidine 313 with glutamine.
Molecular consequence: missense variant.
Genome position (GRCh38, 1-based): chr4:6,300,734, C>G. VCF-style: chr4-6300734-C-G. GRCh37 (hg19) VCF-style: chr4-6302461-C-G.
Other names: c.939C>G, p.His313Gln (NM_001145853.1); short protein forms H313Q.
Identifiers: ClinVar variation 1704077 (VCV001704077.7), dbSNP rs764627117, ClinGen allele CA2839161.
Genomic context (GRCh38, chr4:6,300,734, plus strand): 5'-GCACGCCATCATGGAGATCAAGGAGTACCTGATTGACATGGCCTCCAGGGCAGGCATGCA[C>G]TGGCTGTCCACCATCATCCCCACGCACCACATCAACGCGCTCATCTTCTTCTTCATCGTC-3'
Protein context (NP_005996.2, residues 303-323): LIDMASRAGM[His313Gln]WLSTIIPTHH